The following is an entry in ClinVar:

ClinVar aggregate classification (germline): Uncertain significance. Review status: criteria provided, multiple submitters, no conflicts (2 of 4 stars). 3 submissions from 3 submitters: Uncertain significance (3). Last evaluated 2023-12-13.

Conditions:
Wilson disease (WND). Also called: Wilson's disease. Identifiers: Orphanet 905, MedGen C0019202, MONDO:0010200, OMIM 277900. Disease mechanism: loss of function.

Allele frequency attached by ClinVar (database versions not stated): gnomAD exomes below 0.00001.
gnomAD v4.1: 6 of 1,613,930 alleles (0.00037%); highest among the groups gnomAD compares: Non-Finnish European, 0.00051%; no homozygotes.

Submissions (3):

All of Us Research Program, National Institutes of Health
Classification: Uncertain significance for Wilson disease. Last evaluated: 2023-12-13. Review status: criteria provided, single submitter. Criteria: ACMG Guidelines, 2015. Collection method: clinical testing. Allele origin: germline. Inheritance: Autosomal recessive inheritance. Observed: 1 variant allele, 1 heterozygote.
Comment: This variant causes a C to G nucleotide substitution at the -3 position of intron 4 of the ATP7B gene. Splice site prediction tools predict that this variant may have a significant impact on RNA splicing. To our knowledge, functional studies have not been reported for this variant. This variant has not been reported in individuals affected with ATP7B-related disorders in the literature. This variant has not been identified in the general population by the Genome Aggregation Database (gnomAD). The available evidence is insufficient to determine the role of this variant in disease conclusively. Therefore, this variant is classified as a Variant of Uncertain Significance.

This study involves interpretation of variants in research participants for the purpose of population health screening. Participant phenotype was not available at the time of variant classification. Additional details can be found in publication PMID: 35346344, PMCID: PMC8962531

Color Diagnostics, LLC DBA Color Health
Classification: Uncertain significance for Wilson disease. Last evaluated: 2023-11-17. Review status: criteria provided, single submitter. Criteria: ACMG Guidelines, 2015. Collection method: clinical testing. Allele origin: germline.
Comment: This variant causes a C to G nucleotide substitution at the -3 position of intron 4 of the ATP7B gene. Splice site prediction tools predict that this variant may have a significant impact on RNA splicing. To our knowledge, functional studies have not been reported for this variant. This variant has not been reported in individuals affected with ATP7B-related disorders in the literature. This variant has not been identified in the general population by the Genome Aggregation Database (gnomAD). The available evidence is insufficient to determine the role of this variant in disease conclusively. Therefore, this variant is classified as a Variant of Uncertain Significance.

ARUP Laboratories, Molecular Genetics and Genomics, ARUP Laboratories
Classification: Uncertain significance for Wilson disease. Last evaluated: 2019-04-22. Review status: criteria provided, single submitter. Criteria: ARUP Molecular Germline Variant Investigation Process. Collection method: clinical testing. Allele origin: germline.
Comment: The ATP7B c.1708-3C>G variant, to our knowledge, is not reported in the medical literature or gene specific databases. This variant is also absent from general population databases (Exome Variant Server, Genome Aggregation Database), indicating it is not a common polymorphism. This is an intronic variant in a moderately conserved nucleotide, and computational analyses (Alamut v.2.11) predict that this variant may impact splicing by weakening the nearby canonical acceptor splice site. A different variant at this splice junction (c.1708-5T>G), is also predicted to weaken the nearby acceptor site (Alamut v.2.11), is shown to cause exon 5 skipping (Shimizu 1995), and is classified as likely pathogenic/pathogenic in ClinVar (Variation ID: 495402). However, given the lack of clinical and functional data, the significance of the c.1708-3C>G variant is uncertain at this time. REFERENCES Shimizu N et al. A novel RNA splicing mutation in Japanese patients with Wilson disease. Biochem Biophys Res Commun. 1995 Dec 5;217(1):16-20.

NM_000053.4(ATP7B):c.1708-3C>G

Gene: ATP7B (ATPase copper transporting beta; minus strand). Cytogenetic location: 13q14.3.
Variant type: single nucleotide variant.
Coding change: c.1708-3C>G on transcript NM_000053.4 (MANE Select); 3 bases into the intron before coding-DNA position 1708, C replaced by G.
Molecular consequence: intron variant.
Genome position (GRCh38, 1-based): chr13:51,965,036, G>C on the plus strand (C>G on the coding strand, the complement: ATP7B is on the minus strand). VCF-style: chr13-51965036-G-C. GRCh37 (hg19) VCF-style: chr13-52539172-G-C.
Other names: c.1375-3C>G (NM_001243182.2); c.1708-3C>G (NM_001005918.3, NM_001330579.2, NM_001330578.2).
Identifiers: ClinVar variation 811409 (VCV000811409.10), dbSNP rs1593752864, ClinGen allele CA915948660.